The following is an entry in ClinVar:

NM_001267550.2(TTN):c.35678C>G (p.Thr11893Ser)

Gene: TTN (titin; minus strand). Cytogenetic location: 2q31.2.
Variant type: single nucleotide variant.
Coding change: c.35678C>G on transcript NM_001267550.2 (MANE Select); coding-DNA position 35678, C replaced by G.
Protein change: p.Thr11893Ser; replaces threonine 11893 with serine.
Molecular consequence: missense variant. On other transcripts: intron variant (5).
Genome position (GRCh38, 1-based): chr2:178,667,477, G>C on the plus strand (C>G on the coding strand, the complement: TTN is on the minus strand). VCF-style: chr2-178667477-G-C. GRCh37 (hg19) VCF-style: chr2-179532204-G-C.
Other names: c.35678C>G (NM_001267550.1); c.13283-25160C>G (NM_003319.4); c.13859-25160C>G (NM_133437.4); c.13658-25160C>G (NM_133432.3); c.31483+2741C>G (NM_133378.4); c.34264+2741C>G (NM_001256850.1); short protein forms T11893S.
Identifiers: ClinVar variation 467055 (VCV000467055.14), dbSNP rs750832804, ClinGen allele CA1997758.

ClinVar aggregate classification (germline): Conflicting classifications of pathogenicity. Review status: criteria provided, conflicting classifications (1 of 4 stars). 7 submissions from 7 submitters: Pathogenic (1); Likely pathogenic (2); Uncertain significance (3). 1 of the submissions does not count toward it. Last evaluated 2025-12-15.

Conditions:
Autosomal recessive limb-girdle muscular dystrophy type 2J (LGMDR10). Also called: Limb-girdle muscular dystrophy, type 2J; MUSCULAR DYSTROPHY, LIMB-GIRDLE, AUTOSOMAL RECESSIVE 10. Identifiers: Orphanet 140922, MedGen C1837342, MONDO:0012127, OMIM 608807.
Early-onset myopathy with fatal cardiomyopathy (CMYO5). Also called: CONGENITAL MYOPATHY 5 WITH CARDIOMYOPATHY; Salih Myopathy. Identifiers: Orphanet 289377, MedGen C2673677, MONDO:0012714, OMIM 611705. Disease mechanism: loss of function.
Dilated cardiomyopathy 1G (CMD1G). Identifiers: Orphanet 154, MedGen C1858763, MONDO:0011400, OMIM 604145.

Allele frequency attached by ClinVar (database versions not stated): ExAC 0.00001; gnomAD 0.00001; gnomAD exomes 0.00001.
gnomAD v4.1: 15 of 1,599,940 alleles (0.00094%); highest among the groups gnomAD compares: Admixed American, 0.01%; no homozygotes.

Submissions (7):

Labcorp Genetics (formerly Invitae), Labcorp
Classification: Pathogenic for Dilated cardiomyopathy 1G; Autosomal recessive limb-girdle muscular dystrophy type 2J. Last evaluated: 2025-12-15. Review status: criteria provided, single submitter. Criteria: Invitae Variant Classification Sherloc (09022015). Collection method: clinical testing. Allele origin: germline.
Comment: This sequence change replaces threonine, which is neutral and polar, with serine, which is neutral and polar, at codon 11893 of the TTN protein (p.Thr11893Ser). This variant is present in population databases (rs750832804, gnomAD 0.009%). This missense change has been observed in individual(s) with clinical features of autosomal recessive TTN-related skeletal myopathy (PMID: 32403337, 38544359, 39684706; external communication, internal data). In at least one individual the data is consistent with being in trans (on the opposite chromosome) from a pathogenic variant. It has also been observed to segregate with disease in related individuals. ClinVar contains an entry for this variant (Variation ID: 467055). Experimental studies and prediction algorithms are not available or were not evaluated, and the functional significance of this variant is currently unknown. Algorithms developed to predict the effect of sequence changes on RNA splicing suggest that this variant may disrupt the consensus splice site. This variant is located in the I band of TTN (PMID: 25589632). Non-truncating variants in this region have not been definitively shown to cause cardiomyopathy or neuromuscular disease (PMID: 27493940, 32778822); however, individual variants may be clinically relevant based on available evidence. For these reasons, this variant has been classified as Pathogenic.

GeneDx
Classification: Likely pathogenic. Last evaluated: 2025-11-12. Review status: criteria provided, single submitter. Criteria: GeneDx Variant Classification Process June 2021. Collection method: clinical testing. Allele origin: germline. Affected: yes.
Comment: Observed with a second TTN variant in patients with clinical features of a TTN-related skeletal myopathy in published literature; however, it is not known if the variants are on the same allele (in cis) or on opposite alleles (in trans) (PMID: 32403337, 38544359, 39684706); Not observed at significant frequency in large population cohorts (gnomAD); In silico analysis supports that this missense variant has a deleterious effect on protein structure/function; This variant is associated with the following publications: (PMID: 38544359, 32403337, 39684706)

Blueprint Genetics
Classification: Uncertain significance. Last evaluated: 2024-06-07. Review status: criteria provided, single submitter. Criteria: ACMG Guidelines, 2015. Collection method: clinical testing. Allele origin: germline.

3billion
Classification: Uncertain significance for Early-onset myopathy with fatal cardiomyopathy. Last evaluated: 2023-08-02. Review status: criteria provided, single submitter. Criteria: ACMG Guidelines, 2015. Collection method: clinical testing. Allele origin: germline. Affected: yes.
Comment: The variant is observed at an extremely low frequency in the gnomAD v2.1.1 dataset (total allele frequency: 0.001%). Predicted Consequence/Location: Protein truncation variants are a common disease-causing mechanism. In silico tools predict the variant to alter splicing and produce an abnormal transcript (SpliceAI: 0.66 (>=0.2, moderate evidence for spliceogenicity)). Therefore, this variant is classified as VUS according to the recommendation of ACMG/AMP guideline.

Broad Center for Mendelian Genomics, Broad Institute of MIT and Harvard
Classification: Uncertain significance for Autosomal recessive limb-girdle muscular dystrophy type 2J. Last evaluated: 2018-12-03. Review status: criteria provided, single submitter. Criteria: ACMG Guidelines, 2015. Collection method: research. Allele origin: germline. Inheritance: Autosomal recessive inheritance. Affected: yes.
Comment: The presence of this variant in combination with a likely pathogenic variant and in an individual with LGMD increases the likelihood that the p.Thr11893Ser variant is pathogenic. This variant has been identified in 0.008833% (3/33964) of Latino chromosomes by the Genome Aggregation Database (gnomAD; dbSNP rs750832804). Although this variant has been seen in the general population, its frequency is low enough to be consistent with a recessive carrier frequency. Computational prediction tools and conservation analyses suggest that this variant may not impact the protein, though this information is not predictive enough to rule out pathogenicity. Additional computational tools suggest this variant may impact splicing, resulting in a frameshift and early termination codon. In summary, the clinical significance of p.Thr11893Ser variant is uncertain. ACMG/AMP Criteria applied: PM2, PM3_Supporting, BP4 (Richards 2015).

Clinical Genetics Service, Universitary Hospital 12 de Octubre
Classification: Likely pathogenic for Autosomal recessive limb-girdle muscular dystrophy type 2J. Review status: criteria provided, single submitter. Criteria: ACMG Guidelines, 2015. Collection method: clinical testing. Allele origin: germline. Affected: yes.

Molecular Diagnostic Laboratory for Inherited Cardiovascular Disease, Montreal Heart Institute
Classification: Likely benign. Last evaluated: 2025-04-09. Review status: flagged submission. Criteria: ACMG Guidelines, 2015. Collection method: clinical testing. Allele origin: germline. Affected: no. Not counted in ClinVar's aggregate classification.
ClinVar note: Reason: Outlier claim with insufficient supporting evidence

Literature cited by the submitters: PubMed 32403337 (cited by Labcorp Genetics (formerly Invitae), Labcorp); PubMed 38544359 (cited by Labcorp Genetics (formerly Invitae), Labcorp); PubMed 39684706 (cited by Labcorp Genetics (formerly Invitae), Labcorp); PubMed 25589632 (cited by Labcorp Genetics (formerly Invitae), Labcorp); PubMed 27493940 (cited by Labcorp Genetics (formerly Invitae), Labcorp); PubMed 32778822 (cited by Labcorp Genetics (formerly Invitae), Labcorp).